The following is an entry in ClinVar:

NM_021098.3(CACNA1H):c.4939G>T (p.Glu1647Ter)

Gene: CACNA1H (calcium voltage-gated channel subunit alpha1 H; plus strand). Cytogenetic location: 16p13.3.
Variant type: single nucleotide variant.
Coding change: c.4939G>T on transcript NM_021098.3 (MANE Select); coding-DNA position 4939, G replaced by T.
Protein change: p.Glu1647Ter; replaces glutamic acid 1647 with a stop codon.
Molecular consequence: nonsense.
Genome position (GRCh38, 1-based): chr16:1,214,981, G>T. VCF-style: chr16-1214981-G-T. GRCh37 (hg19) VCF-style: chr16-1264981-G-T.
Other names: c.4921G>T, p.Glu1641Ter (NM_001005407.2); short protein forms E1641*, E1647*.
Identifiers: ClinVar variation 3756010 (VCV003756010.2).

ClinVar aggregate classification (germline): Uncertain significance (1 of 4 stars; one submission).

Conditions:
Idiopathic generalized epilepsy. Also called: EIG; Generalised epilepsy. Identifiers: MedGen C0270850, MONDO:0005579, OMIM 600669.
Hyperaldosteronism, familial, type IV (HALD4). Also called: FH IV; ALDOSTERONISM, PRIMARY, AND HYPERTENSION. Identifiers: Orphanet 642671, MedGen C4310756, MONDO:0014875, OMIM 617027.

Submission:

Labcorp Genetics (formerly Invitae), Labcorp
Classification: Uncertain significance for Idiopathic generalized epilepsy; Hyperaldosteronism, familial, type IV. Last evaluated: 2024-04-25. Review status: criteria provided, single submitter. Criteria: Invitae Variant Classification Sherloc (09022015). Collection method: clinical testing. Allele origin: germline.
Comment: This sequence change creates a premature translational stop signal (p.Glu1647*) in the CACNA1H gene. It is expected to result in an absent or disrupted protein product. However, the current clinical and genetic evidence is not sufficient to establish whether loss-of-function variants in CACNA1H cause disease. This variant is not present in population databases (gnomAD no frequency). This variant has not been reported in the literature in individuals affected with CACNA1H-related conditions. In summary, the available evidence is currently insufficient to determine the role of this variant in disease. Therefore, it has been classified as a Variant of Uncertain Significance.